The following is an entry in ClinVar:

ClinVar aggregate classification (germline): Uncertain significance (1 of 4 stars; one submission).

Conditions:
PURA-related severe neonatal hypotonia-seizures-encephalopathy syndrome (NEDRIHF). Also called: PURA-Related Neurodevelopmental Disorders; NEURODEVELOPMENTAL DISORDER WITH NEONATAL RESPIRATORY INSUFFICIENCY, HYPOTONIA, AND FEEDING DIFFICULTIES. Identifiers: Orphanet 438213, Orphanet 438216, MedGen C4015357, MONDO:1060108, OMIM 616158, MONDO:0018580.

Allele frequency attached by ClinVar (database versions not stated): gnomAD exomes below 0.00001.
gnomAD v4.1: 1 of 1,191,918 alleles (0.000084%); highest among the groups gnomAD compares: South Asian, 0.0042%; no homozygotes.

Submission:

Labcorp Genetics (formerly Invitae), Labcorp
Classification: Uncertain significance for PURA-related severe neonatal hypotonia-seizures-encephalopathy syndrome. Last evaluated: 2025-05-27. Review status: criteria provided, single submitter. Criteria: Invitae Variant Classification Sherloc (09022015). Collection method: clinical testing. Allele origin: germline.
Comment: This sequence change replaces glycine, which is neutral and non-polar, with glutamic acid, which is acidic and polar, at codon 22 of the PURA protein (p.Gly22Glu). The frequency data for this variant in the population databases is considered unreliable, as metrics indicate insufficient coverage at this position in the gnomAD database. This variant has not been reported in the literature in individuals affected with PURA-related conditions. ClinVar contains an entry for this variant (Variation ID: 1406237). Invitae Evidence Modeling of protein sequence and biophysical properties (such as structural, functional, and spatial information, amino acid conservation, physicochemical variation, residue mobility, and thermodynamic stability) has been performed for this missense variant. However, the output from this modeling did not meet the statistical confidence thresholds required to predict the impact of this variant on PURA protein function. In summary, the available evidence is currently insufficient to determine the role of this variant in disease. Therefore, it has been classified as a Variant of Uncertain Significance.

NM_005859.5(PURA):c.65G>A (p.Gly22Glu)

Gene: PURA (purine rich element binding protein A; plus strand). Cytogenetic location: 5q31.3.
Variant type: single nucleotide variant.
Coding change: c.65G>A on transcript NM_005859.5 (MANE Select); coding-DNA position 65, G replaced by A.
Protein change: p.Gly22Glu; replaces glycine 22 with glutamic acid.
Molecular consequence: missense variant.
Genome position (GRCh38, 1-based): chr5:140,114,246, G>A. VCF-style: chr5-140114246-G-A. GRCh37 (hg19) VCF-style: chr5-139493831-G-A.
Other names: short protein forms G22E.
Identifiers: ClinVar variation 1406237 (VCV001406237.8), dbSNP rs2126748571, ClinGen allele CA361489156.